The following is an entry in ClinVar:

ClinVar aggregate classification (germline): Likely benign (0 of 4 stars; one submission).

Conditions:
MATN4-related disorder. Also called: MATN4-related condition.

Allele frequency attached by ClinVar (database versions not stated): ExAC 0.00014; gnomAD 0.00032.

Submission:

PreventionGenetics, part of Exact Sciences
Classification: Likely benign for MATN4-related condition. Last evaluated: 2019-11-26. Review status: no assertion criteria provided. Collection method: clinical testing. Allele origin: germline.
Comment: This variant is classified as likely benign based on ACMG/AMP sequence variant interpretation guidelines (Richards et al. 2015 PMID: 25741868, with internal and published modifications).

NM_001393530.1(MATN4):c.1579+7G>A

Gene: MATN4 (matrilin 4; minus strand). Cytogenetic location: 20q13.12.
Variant type: single nucleotide variant.
Coding change: c.1579+7G>A on transcript NM_001393530.1 (MANE Select); 7 bases into the intron after coding-DNA position 1579, G replaced by A.
Molecular consequence: intron variant.
Genome position (GRCh38, 1-based): chr20:45,297,911, C>T on the plus strand (G>A on the coding strand, the complement: MATN4 is on the minus strand). VCF-style: chr20-45297911-C-T. GRCh37 (hg19) VCF-style: chr20-43926551-C-T.
Other names: c.1579+7G>A (NM_003833.5, NM_001393531.1); c.1333+7G>A (NM_030592.4); c.1456+7G>A (NM_030590.4).
Identifiers: ClinVar variation 3048790 (VCV003048790.2), dbSNP rs781206229, ClinGen allele CA9875900.